The following is an entry in ClinVar:

ClinVar aggregate classification (germline): Uncertain significance (1 of 4 stars; one submission).

Conditions:
Arrhythmogenic right ventricular dysplasia 13. Also called: Arrhythmogenic right ventricular dysplasia, familial, 13; ARRHYTHMOGENIC RIGHT VENTRICULAR CARDIOMYOPATHY 13. Identifiers: MedGen C3810138, MONDO:0000908, OMIM 615616.

Allele frequency attached by ClinVar (database versions not stated): ExAC 0.00002; gnomAD exomes 0.00002 and 0.00003; TOPMed 0.00004; ESP Exome Variant Server 0.00008; gnomAD 0.00008 and 0.00009.
gnomAD v4.1: 38 of 1,609,382 alleles (0.0024%); highest among the groups gnomAD compares: Non-Finnish European, 0.0032%; no homozygotes.

Submission:

Labcorp Genetics (formerly Invitae), Labcorp
Classification: Uncertain significance for Arrhythmogenic right ventricular dysplasia 13. Last evaluated: 2025-09-08. Review status: criteria provided, single submitter. Criteria: Invitae Variant Classification Sherloc (09022015). Collection method: clinical testing. Allele origin: germline.
Comment: This sequence change replaces isoleucine, which is neutral and non-polar, with leucine, which is neutral and non-polar, at codon 503 of the CTNNA3 protein (p.Ile503Leu). This variant is present in population databases (rs147802834, gnomAD 0.007%). This missense change has been observed in individual(s) with dilated cardiomyopathy (PMID: 32880476). ClinVar contains an entry for this variant (Variation ID: 409019). Invitae Evidence Modeling of protein sequence and biophysical properties (such as structural, functional, and spatial information, amino acid conservation, physicochemical variation, residue mobility, and thermodynamic stability) indicates that this missense variant is not expected to disrupt CTNNA3 protein function with a negative predictive value of 80%. In summary, the available evidence is currently insufficient to determine the role of this variant in disease. Therefore, it has been classified as a Variant of Uncertain Significance.

Literature cited by the submitters: PubMed 32880476.

NM_013266.4(CTNNA3):c.1507A>C (p.Ile503Leu)

Gene: CTNNA3 (catenin alpha 3; minus strand). Cytogenetic location: 10q21.3.
Variant type: single nucleotide variant.
Coding change: c.1507A>C on transcript NM_013266.4 (MANE Select); coding-DNA position 1507, A replaced by C.
Protein change: p.Ile503Leu; replaces isoleucine 503 with leucine.
Molecular consequence: missense variant.
Genome position (GRCh38, 1-based): chr10:66,520,641, T>G on the plus strand (A>C on the coding strand, the complement: CTNNA3 is on the minus strand). VCF-style: chr10-66520641-T-G. GRCh37 (hg19) VCF-style: chr10-68280399-T-G.
Other names: c.1507A>C, p.Ile503Leu (NM_001127384.3); short protein forms I503L.
Identifiers: ClinVar variation 409019 (VCV000409019.8), dbSNP rs147802834, ClinGen allele CA5519935.